The following is an entry in ClinVar:

NM_000195.5(HPS1):c.314T>G (p.Leu105Arg)

Gene: HPS1 (HPS1 biogenesis of lysosomal organelles complex 3 subunit 1; minus strand). Cytogenetic location: 10q24.2.
Variant type: single nucleotide variant.
Coding change: c.314T>G on transcript NM_000195.5 (MANE Select); coding-DNA position 314, T replaced by G.
Protein change: p.Leu105Arg; replaces leucine 105 with arginine.
Molecular consequence: missense variant. On other transcripts: 5 prime UTR variant (2), intron variant (7).
Genome position (GRCh38, 1-based): chr10:98,435,356, A>C on the plus strand (T>G on the coding strand, the complement: HPS1 is on the minus strand). VCF-style: chr10-98435356-A-C. GRCh37 (hg19) VCF-style: chr10-100195113-A-C.
Other names: c.-603T>G (NM_001311345.2); c.314T>G, p.Leu105Arg (NM_001322476.2, NM_001322477.2, NM_001322478.2 and 5 more transcripts); c.-702T>G (NM_001322487.2); c.29+279T>G (NM_001322483.2, NM_001322485.2, NM_001322484.2); c.255+279T>G (NM_001322480.2, NM_001322482.2, NM_001322481.2); c.-519+279T>G (NM_001322489.2); short protein forms L105R.
Identifiers: ClinVar variation 2149653 (VCV002149653.2), dbSNP rs2538987140, ClinGen allele CA378055048.

ClinVar aggregate classification (germline): Uncertain significance (1 of 4 stars; one submission).

Allele frequency attached by ClinVar (database versions not stated): gnomAD exomes below 0.00001.
gnomAD v4.1: 1 of 1,613,690 alleles (0.000062%); highest among the groups gnomAD compares: Non-Finnish European, 0.000085%; no homozygotes.

Submission:

Labcorp Genetics (formerly Invitae), Labcorp
Classification: Uncertain significance. Last evaluated: 2022-07-15. Review status: criteria provided, single submitter. Criteria: Invitae Variant Classification Sherloc (09022015). Collection method: clinical testing. Allele origin: germline.
Comment: This sequence change replaces leucine, which is neutral and non-polar, with arginine, which is basic and polar, at codon 105 of the HPS1 protein (p.Leu105Arg). This variant is not present in population databases (gnomAD no frequency). This variant has not been reported in the literature in individuals affected with HPS1-related conditions. Algorithms developed to predict the effect of missense changes on protein structure and function are either unavailable or do not agree on the potential impact of this missense change (SIFT: "Deleterious"; PolyPhen-2: "Probably Damaging"; Align-GVGD: "Class C0"). In summary, the available evidence is currently insufficient to determine the role of this variant in disease. Therefore, it has been classified as a Variant of Uncertain Significance.